The following is an entry in ClinVar:

NM_016239.4(MYO15A):c.4107C>A (p.Ser1369Arg)

Gene: MYO15A (myosin XVA; plus strand). Cytogenetic location: 17p11.2.
Variant type: single nucleotide variant.
Coding change: c.4107C>A on transcript NM_016239.4 (MANE Select); coding-DNA position 4107, C replaced by A.
Protein change: p.Ser1369Arg; replaces serine 1369 with arginine.
Molecular consequence: missense variant.
Genome position (GRCh38, 1-based): chr17:18,131,307, C>A. VCF-style: chr17-18131307-C-A. GRCh37 (hg19) VCF-style: chr17-18034621-C-A.
Other names: short protein forms S1369R.
Identifiers: ClinVar variation 4056633 (VCV004056633.1).

ClinVar aggregate classification (germline): Uncertain significance (1 of 4 stars; one submission).

Conditions:
Autosomal recessive nonsyndromic hearing loss 3. Also called: NEUROSENSORY NONSYNDROMIC RECESSIVE DEAFNESS 3. Identifiers: Orphanet 90636, MedGen C1838263, MONDO:0010860, OMIM 600316.

gnomAD v4.1: 2 of 1,614,030 alleles (0.00012%); highest among the groups gnomAD compares: Admixed American, 0.0017%; no homozygotes.

Submission:

Laboratorio de Genetica e Diagnostico Molecular, Hospital Israelita Albert Einstein
Classification: Uncertain significance for Autosomal recessive nonsyndromic hearing loss 3. Last evaluated: 2024-05-20. Review status: criteria provided, single submitter. Criteria: ACMG Guidelines, 2015. Collection method: clinical testing. Allele origin: germline. Affected: yes.
Comment: ACMG classification criteria: PM2 supporting, PP3 supporting